The following is an entry in ClinVar:

ClinVar aggregate classification (germline): Uncertain significance. Review status: criteria provided, multiple submitters, no conflicts (2 of 4 stars). 4 submissions from 4 submitters: Uncertain significance (4). Last evaluated 2023-02-22.

Conditions:
Congenital adrenal hyperplasia due to cytochrome P450 oxidoreductase deficiency. Also called: DISORDERED STEROIDOGENESIS DUE TO POR DEFICIENCY. Identifiers: Orphanet 95699, MedGen C1860042, MONDO:0013310, OMIM 613571.

Allele frequency attached by ClinVar (database versions not stated): ExAC 0.00010; gnomAD exomes 0.00013 and 0.00025; gnomAD 0.00015 and 0.00016; 1000 Genomes Project 30x 0.00016; ESP Exome Variant Server 0.00016; TOPMed 0.00016; 1000 Genomes Project 0.00020.
gnomAD v4.1: 383 of 1,612,872 alleles (0.024%); highest among the groups gnomAD compares: Non-Finnish European, 0.03%; no homozygotes.

Submissions (4):

Blueprint Genetics
Classification: Uncertain significance. Last evaluated: 2023-02-22. Review status: criteria provided, single submitter. Criteria: ACMG Guidelines, 2015. Collection method: clinical testing. Allele origin: germline.

Labcorp Genetics (formerly Invitae), Labcorp
Classification: Uncertain significance for Congenital adrenal hyperplasia due to cytochrome P450 oxidoreductase deficiency. Last evaluated: 2022-03-11. Review status: criteria provided, single submitter. Criteria: Invitae Variant Classification Sherloc (09022015). Collection method: clinical testing. Allele origin: germline.
Comment: This sequence change replaces alanine, which is neutral and non-polar, with valine, which is neutral and non-polar, at codon 172 of the POR protein (p.Ala172Val). This variant is present in population databases (rs374967948, gnomAD 0.03%). This variant has not been reported in the literature in individuals affected with POR-related conditions. ClinVar contains an entry for this variant (Variation ID: 451907). Algorithms developed to predict the effect of missense changes on protein structure and function are either unavailable or do not agree on the potential impact of this missense change (SIFT: "Deleterious"; PolyPhen-2: "Possibly Damaging"; Align-GVGD: "Class C0"). In summary, the available evidence is currently insufficient to determine the role of this variant in disease. Therefore, it has been classified as a Variant of Uncertain Significance.

Illumina Laboratory Services, Illumina
Classification: Uncertain significance for Congenital adrenal hyperplasia due to cytochrome P450 oxidoreductase deficiency. Last evaluated: 2018-01-13. Review status: criteria provided, single submitter. Criteria: ICSL Variant Classification Criteria 13 December 2019. Collection method: clinical testing. Allele origin: germline.

GeneDx
Classification: Uncertain significance. Last evaluated: 2017-09-08. Review status: criteria provided, single submitter. Criteria: GeneDx Variant Classification (06012015). Collection method: clinical testing. Allele origin: germline. Affected: yes.
Comment: The A172V variant in the POR gene has not been reported previously as a pathogenic variant, nor as a benign variant, to our knowledge. The A172V variant is observed in 3/9698 (0.03%) alleles from individuals of African background in the ExAC dataset (Lek et al., 2016). The A172V variant is a conservative amino acid substitution, which is not likely to impact secondary protein structure as these residues share similar properties. This substitution occurs at a position that is conserved in mammals. In silico analysis predicts this variant is probably damaging to the protein structure/function. We interpret A172V as a variant of uncertain significance.

NM_001395413.1(POR):c.506C>T (p.Ala169Val)

Gene: POR (cytochrome p450 oxidoreductase; plus strand). Cytogenetic location: 7q11.23.
Variant type: single nucleotide variant.
Coding change: c.506C>T on transcript NM_001395413.1 (MANE Select); coding-DNA position 506, C replaced by T.
Protein change: p.Ala169Val; replaces alanine 169 with valine.
Molecular consequence: missense variant.
Genome position (GRCh38, 1-based): chr7:75,980,487, C>T. VCF-style: chr7-75980487-C-T. GRCh37 (hg19) VCF-style: chr7-75609805-C-T.
Other names: c.506C>T, p.Ala169Val (NM_001367562.3, NM_001382657.2, NM_001382658.3 and 2 more transcripts); c.560C>T, p.Ala187Val (NM_001382655.3); short protein forms A169V, A187V.
Identifiers: ClinVar variation 451907 (VCV000451907.9), dbSNP rs374967948, ClinGen allele CA4303651.